The following is an entry in ClinVar:

NM_000051.4(ATM):c.8616T>G (p.His2872Gln)

Genes: ATM (ATM serine/threonine kinase; plus strand), C11orf65 (chromosome 11 open reading frame 65; minus strand). Cytogenetic location: 11q22.3.
Variant type: single nucleotide variant.
Coding change: c.8616T>G on transcript NM_000051.4 (MANE Select); coding-DNA position 8616, T replaced by G.
Protein change: p.His2872Gln; replaces histidine 2872 with glutamine.
Molecular consequence: missense variant. On other transcripts: intron variant (2).
Genome position (GRCh38, 1-based): chr11:108,347,310, T>G. VCF-style: chr11-108347310-T-G. GRCh37 (hg19) VCF-style: chr11-108218037-T-G.
Other names: c.8616T>G, p.His2872Gln (NM_001351834.2); c.641-38239A>C (NM_001330368.2); c.695-12018A>C (NM_001351110.2); short protein forms H2872Q.
Identifiers: ClinVar variation 453737 (VCV000453737.15), dbSNP rs1555139556, ClinGen allele CA382520686.

ClinVar aggregate classification (germline): Uncertain significance. Review status: criteria provided, multiple submitters, no conflicts (2 of 4 stars). 2 submissions from 2 submitters: Uncertain significance (2). Last evaluated 2025-08-17.

Conditions:
Hereditary cancer-predisposing syndrome. Also called: Neoplastic Syndromes, Hereditary; Hereditary Cancer Syndrome; Tumor predisposition; Hereditary neoplastic syndrome. Identifiers: Orphanet 140162, MedGen C0027672, MeSH D009386, MONDO:0015356.
Ataxia-telangiectasia syndrome (AT). Also called: LOUIS-BAR SYNDROME; Cerebello-oculocutaneous telangiectasia; Immunodeficiency with ataxia telangiectasia; Ataxia-telangiectasia, complementation group D; AT, COMPLEMENTATION GROUP C; Ataxia-telangiectasia, complementation group E. Identifiers: Orphanet 100, MedGen C0004135, MONDO:0008840, OMIM 208900.

gnomAD v4.1: 1 of 1,611,786 alleles (0.000062%); highest among the groups gnomAD compares: Non-Finnish European, 0.000085%; no homozygotes.

Submissions (2):

Labcorp Genetics (formerly Invitae), Labcorp
Classification: Uncertain significance for Ataxia-telangiectasia syndrome. Last evaluated: 2025-08-17. Review status: criteria provided, single submitter. Criteria: Invitae Variant Classification Sherloc (09022015). Collection method: clinical testing. Allele origin: germline.
Comment: This sequence change replaces histidine, which is basic and polar, with glutamine, which is neutral and polar, at codon 2872 of the ATM protein (p.His2872Gln). This variant is not present in population databases (gnomAD no frequency). This variant has not been reported in the literature in individuals affected with ATM-related conditions. ClinVar contains an entry for this variant (Variation ID: 453737). Invitae Evidence Modeling of protein sequence and biophysical properties (such as structural, functional, and spatial information, amino acid conservation, physicochemical variation, residue mobility, and thermodynamic stability) indicates that this missense variant is expected to disrupt ATM protein function with a positive predictive value of 80%. In summary, the available evidence is currently insufficient to determine the role of this variant in disease. Therefore, it has been classified as a Variant of Uncertain Significance.

Ambry Genetics
Classification: Uncertain significance for Hereditary cancer-predisposing syndrome. Last evaluated: 2025-05-23. Review status: criteria provided, single submitter. Criteria: Ambry Variant Classification Scheme 2023. Collection method: clinical testing. Allele origin: germline.
Comment: The p.H2872Q variant (also known as c.8616T>G), located in coding exon 58 of the ATM gene, results from a T to G substitution at nucleotide position 8616. The histidine at codon 2872 is replaced by glutamine, an amino acid with highly similar properties. This amino acid position is highly conserved in available vertebrate species. In addition, this alteration is predicted to be deleterious by in silico analysis. Based on the available evidence, the clinical significance of this variant remains unclear.